The following is an entry in ClinVar:

ClinVar aggregate classification (germline): Uncertain significance. Review status: criteria provided, multiple submitters, no conflicts (2 of 4 stars). 4 submissions from 4 submitters: Uncertain significance (4). Last evaluated 2026-05-27.

Conditions:
DDX41-related hematologic malignancy predisposition syndrome. Also called: Myeloproliferative/lymphoproliferative neoplasms, familial (multiple types), susceptibility to; DDX41-Associated Familial Myelodysplastic Syndrome and Acute Myeloid Leukemia. Identifiers: Orphanet 488647, MedGen C4225174, MONDO:0014809, OMIM 616871.
Inborn genetic diseases. Identifiers: MedGen C0950123, MeSH D030342.

Allele frequency attached by ClinVar (database versions not stated): ExAC 0.00002.

Submissions (4):

Ambry Genetics
Classification: Uncertain significance for Inborn genetic diseases. Last evaluated: 2026-05-27. Review status: criteria provided, single submitter. Criteria: Ambry Variant Classification Scheme 2023. Collection method: clinical testing. Allele origin: germline.

Labcorp Genetics (formerly Invitae), Labcorp
Classification: Uncertain significance. Last evaluated: 2024-04-30. Review status: criteria provided, single submitter. Criteria: Invitae Variant Classification Sherloc (09022015). Collection method: clinical testing. Allele origin: germline.
Comment: This sequence change replaces glycine, which is neutral and non-polar, with aspartic acid, which is acidic and polar, at codon 313 of the DDX41 protein (p.Gly313Asp). This variant is present in population databases (rs768156226, gnomAD 0.007%). This variant has not been reported in the literature in individuals affected with DDX41-related conditions. An algorithm developed to predict the effect of missense changes on protein structure and function (PolyPhen-2) suggests that this variant is likely to be disruptive. In summary, the available evidence is currently insufficient to determine the role of this variant in disease. Therefore, it has been classified as a Variant of Uncertain Significance.

Baylor Genetics
Classification: Uncertain significance for DDX41-related hematologic malignancy predisposition syndrome. Last evaluated: 2024-02-13. Review status: criteria provided, single submitter. Criteria: ACMG Guidelines, 2015. Collection method: clinical testing. Allele origin: unknown.

GeneDx
Classification: Uncertain significance. Last evaluated: 2024-01-22. Review status: criteria provided, single submitter. Criteria: GeneDx Variant Classification Process June 2021. Collection method: clinical testing. Allele origin: germline. Affected: yes.
Comment: Not observed at significant frequency in large population cohorts (gnomAD); In silico analysis supports that this missense variant has a deleterious effect on protein structure/function; Has not been previously published as pathogenic or benign to our knowledge; This variant is associated with the following publications: (PMID: 27721487)

NM_016222.4(DDX41):c.938G>A (p.Gly313Asp)

Gene: DDX41 (DEAD-box helicase 41; minus strand). Cytogenetic location: 5q35.3.
Variant type: single nucleotide variant.
Coding change: c.938G>A on transcript NM_016222.4 (MANE Select); coding-DNA position 938, G replaced by A.
Protein change: p.Gly313Asp; replaces glycine 313 with aspartic acid.
Molecular consequence: missense variant.
Genome position (GRCh38, 1-based): chr5:177,513,845, C>T on the plus strand (G>A on the coding strand, the complement: DDX41 is on the minus strand). VCF-style: chr5-177513845-C-T. GRCh37 (hg19) VCF-style: chr5-176940846-C-T.
Other names: c.560G>A, p.Gly187Asp (NM_001321732.2, NM_001321830.2); c.938G>A (NM_016222.2); short protein forms G187D, G313D.
Identifiers: ClinVar variation 3241298 (VCV003241298.6), dbSNP rs768156226.